The following is an entry in ClinVar:

ClinVar aggregate classification (germline): Uncertain significance (1 of 4 stars; one submission).

Submission:

GeneDx
Classification: Uncertain significance. Last evaluated: 2022-01-13. Review status: criteria provided, single submitter. Criteria: GeneDx Variant Classification Process June 2021. Collection method: clinical testing. Allele origin: germline. Affected: yes.
Comment: Not observed at significant frequency in large population cohorts (gnomAD); Frameshift variant predicted to result in protein truncation or nonsense mediated decay in a gene for which loss-of-function is not a known mechanism of disease; Has not been previously published as pathogenic or benign to our knowledge; Variants in candidate genes are classified as variants of uncertain significance in accordance with ACMG guidelines (Richards et al., 2015)

NM_015057.5(MYCBP2):c.6717dup (p.Leu2240fs)

Gene: MYCBP2 (MYC binding protein 2; minus strand). Cytogenetic location: 13q22.3.
Variant type: Duplication.
Coding change: c.6717dup on transcript NM_015057.5 (MANE Select); coding-DNA position 6717, one base duplicated (T; older notation c.6717dupT).
Protein change: p.Leu2240fs; shifts the reading frame from leucine 2240.
Molecular consequence: frameshift variant.
Genome position (GRCh38, 1-based): chr13:77,157,990, A duplicated on the plus strand (T on the coding strand, the reverse complement: MYCBP2 is on the minus strand); the first of 4 consecutive A bases (chr13:77,157,990-77,157,993); duplicating any one gives the same sequence. VCF-style (leftmost placement, unchanged base first): chr13-77157989-G-GA. GRCh37 (hg19) VCF-style: chr13-77732124-G-GA.
Other names: short protein forms L2240fs.
Identifiers: ClinVar variation 1712108 (VCV001712108.2), dbSNP rs2548895603, ClinGen allele CA2580087744.